The following is an entry in ClinVar:

NM_000334.4(SCN4A):c.3359C>T (p.Ser1120Leu)

Genes: GH-LCR (growth hormone locus control region; plus strand), SCN4A (sodium voltage-gated channel alpha subunit 4; minus strand). Cytogenetic location: 17q23.3.
Variant type: single nucleotide variant.
Coding change: c.3359C>T on transcript NM_000334.4 (MANE Select); coding-DNA position 3359, C replaced by T.
Protein change: p.Ser1120Leu; replaces serine 1120 with leucine.
Molecular consequence: missense variant.
Genome position (GRCh38, 1-based): chr17:63,947,127, G>A on the plus strand (C>T on the coding strand, the complement: SCN4A is on the minus strand). VCF-style: chr17-63947127-G-A. GRCh37 (hg19) VCF-style: chr17-62024487-G-A.
Other names: short protein forms S1120L.
Identifiers: ClinVar variation 569541 (VCV000569541.8), dbSNP rs1314399622, ClinGen allele CA400620634.

ClinVar aggregate classification (germline): Uncertain significance. Review status: criteria provided, multiple submitters, no conflicts (2 of 4 stars). 2 submissions from 2 submitters: Uncertain significance (2). Last evaluated 2025-06-22.

Conditions:
Hyperkalemic periodic paralysis. Also called: Gamstorp disease; Familial hyperkalemic periodic paralysis. Identifiers: Orphanet 682, MedGen C0238357, MONDO:0008224, OMIM 170500, HP:0007215.

Allele frequency attached by ClinVar (database versions not stated): gnomAD exomes 0.00001; TOPMed 0.00001.
gnomAD v4.1: 6 of 1,611,054 alleles (0.00037%); highest among the groups gnomAD compares: Non-Finnish European, 0.00042%; no homozygotes.

Submissions (2):

Labcorp Genetics (formerly Invitae), Labcorp
Classification: Uncertain significance for Hyperkalemic periodic paralysis. Last evaluated: 2025-06-22. Review status: criteria provided, single submitter. Criteria: Invitae Variant Classification Sherloc (09022015). Collection method: clinical testing. Allele origin: germline.
Comment: This sequence change replaces serine, which is neutral and polar, with leucine, which is neutral and non-polar, at codon 1120 of the SCN4A protein (p.Ser1120Leu). This variant is not present in population databases (gnomAD no frequency). This missense change has been observed in individual(s) with autosomal recessive SCN4A-related conditions (PMID: 28003497). In at least one individual the data is consistent with being in trans (on the opposite chromosome) from a pathogenic variant. It has also been observed to segregate with disease in related individuals. ClinVar contains an entry for this variant (Variation ID: 569541). Invitae Evidence Modeling of protein sequence and biophysical properties (such as structural, functional, and spatial information, amino acid conservation, physicochemical variation, residue mobility, and thermodynamic stability) has been performed for this missense variant. However, the output from this modeling did not meet the statistical confidence thresholds required to predict the impact of this variant on SCN4A protein function. In summary, the available evidence is currently insufficient to determine the role of this variant in disease. Therefore, it has been classified as a Variant of Uncertain Significance.

Revvity Omics, Revvity
Classification: Uncertain significance. Last evaluated: 2023-03-14. Review status: criteria provided, single submitter. Criteria: ACMG Guidelines, 2015. Collection method: clinical testing. Allele origin: germline.

Literature cited by the submitters: PubMed 28003497 (cited by Labcorp Genetics (formerly Invitae), Labcorp).